The following is an entry in ClinVar:

NM_001286.5(CLCN6):c.2128C>A (p.Leu710Met)

Gene: CLCN6 (chloride voltage-gated channel 6; plus strand). Cytogenetic location: 1p36.22.
Variant type: single nucleotide variant.
Coding change: c.2128C>A on transcript NM_001286.5 (MANE Select); coding-DNA position 2128, C replaced by A.
Protein change: p.Leu710Met; replaces leucine 710 with methionine.
Molecular consequence: missense variant. On other transcripts: non-coding transcript variant (1).
Genome position (GRCh38, 1-based): chr1:11,837,146, C>A. VCF-style: chr1-11837146-C-A. GRCh37 (hg19) VCF-style: chr1-11897203-C-A.
Other names: c.2062C>A, p.Leu688Met (NM_001256959.2); short protein forms L710M, L688M.
Identifiers: ClinVar variation 2879711 (VCV002879711.3), dbSNP rs150177184, ClinGen allele CA596718.

ClinVar aggregate classification (germline): Uncertain significance (1 of 4 stars; one submission).

Allele frequency attached by ClinVar (database versions not stated): gnomAD 0.00001; ExAC 0.00003; 1000 Genomes Project 30x 0.00016; 1000 Genomes Project 0.00020.
gnomAD v4.1: 18 of 1,612,474 alleles (0.0011%); highest among the groups gnomAD compares: East Asian, 0.038%; no homozygotes.

Submission:

Labcorp Genetics (formerly Invitae), Labcorp
Classification: Uncertain significance. Last evaluated: 2023-09-03. Review status: criteria provided, single submitter. Criteria: Invitae Variant Classification Sherloc (09022015). Collection method: clinical testing. Allele origin: germline.
Comment: In summary, the available evidence is currently insufficient to determine the role of this variant in disease. Therefore, it has been classified as a Variant of Uncertain Significance. An algorithm developed to predict the effect of missense changes on protein structure and function (PolyPhen-2) suggests that this variant is likely to be disruptive. This variant has not been reported in the literature in individuals affected with CLCN6-related conditions. This variant is present in population databases (rs150177184, gnomAD 0.03%). This sequence change replaces leucine, which is neutral and non-polar, with methionine, which is neutral and non-polar, at codon 710 of the CLCN6 protein (p.Leu710Met).